The following is an entry in ClinVar:

ClinVar aggregate classification (germline): Uncertain significance (1 of 4 stars; one submission).

Submission:

GeneDx
Classification: Uncertain significance. Last evaluated: 2024-06-12. Review status: criteria provided, single submitter. Criteria: GeneDx Variant Classification Process June 2021. Collection method: clinical testing. Allele origin: germline. Affected: yes.
Comment: Not observed at significant frequency in large population cohorts (gnomAD); In silico analysis indicates that this missense variant does not alter protein structure/function; Has not been previously published as pathogenic or benign to our knowledge

NM_014991.6(WDFY3):c.7264C>T (p.Pro2422Ser)

Gene: WDFY3 (WD repeat and FYVE domain containing 3; minus strand). Cytogenetic location: 4q21.23.
Variant type: single nucleotide variant.
Coding change: c.7264C>T on transcript NM_014991.6 (MANE Select); coding-DNA position 7264, C replaced by T.
Protein change: p.Pro2422Ser; replaces proline 2422 with serine.
Molecular consequence: missense variant.
Genome position (GRCh38, 1-based): chr4:84,726,869, G>A on the plus strand (C>T on the coding strand, the complement: WDFY3 is on the minus strand). VCF-style: chr4-84726869-G-A. GRCh37 (hg19) VCF-style: chr4-85648022-G-A.
Other names: short protein forms P2422S.
Identifiers: ClinVar variation 3390733 (VCV003390733.1).